The following is an entry in ClinVar:

ClinVar aggregate classification (germline): Uncertain significance (1 of 4 stars; one submission).

Allele frequency attached by ClinVar (database versions not stated): gnomAD exomes below 0.00001; ExAC 0.00001.
gnomAD v4.1: 1 of 1,614,130 alleles (0.000062%); highest among the groups gnomAD compares: Non-Finnish European, 0.000085%; no homozygotes.

Submission:

Labcorp Genetics (formerly Invitae), Labcorp
Classification: Uncertain significance. Last evaluated: 2021-11-22. Review status: criteria provided, single submitter. Criteria: Invitae Variant Classification Sherloc (09022015). Collection method: clinical testing. Allele origin: germline.
Comment: In summary, the available evidence is currently insufficient to determine the role of this variant in disease. Therefore, it has been classified as a Variant of Uncertain Significance. Algorithms developed to predict the effect of missense changes on protein structure and function are either unavailable or do not agree on the potential impact of this missense change (SIFT: "Deleterious"; PolyPhen-2: "Probably Damaging"; Align-GVGD: "Class C0"). This variant has not been reported in the literature in individuals affected with MYO5B-related conditions. This variant is present in population databases (rs765506377, gnomAD 0.0009%). This sequence change replaces lysine, which is basic and polar, with glutamic acid, which is acidic and polar, at codon 1520 of the MYO5B protein (p.Lys1520Glu).

NM_001080467.3(MYO5B):c.4558A>G (p.Lys1520Glu)

Genes: MYO5B (myosin VB; minus strand), SNHG22 (small nucleolar RNA host gene 22; plus strand). Cytogenetic location: 18q21.1.
Variant type: single nucleotide variant.
Coding change: c.4558A>G on transcript NM_001080467.3 (MANE Select); coding-DNA position 4558, A replaced by G.
Protein change: p.Lys1520Glu; replaces lysine 1520 with glutamic acid.
Molecular consequence: missense variant.
Genome position (GRCh38, 1-based): chr18:49,843,294, T>C on the plus strand (A>G on the coding strand, the complement: MYO5B is on the minus strand). VCF-style: chr18-49843294-T-C. GRCh37 (hg19) VCF-style: chr18-47369664-T-C.
Other names: short protein forms K1520E.
Identifiers: ClinVar variation 1352908 (VCV001352908.6), dbSNP rs765506377, ClinGen allele CA8960310.